The following is an entry in ClinVar:

NM_014516.4(CNOT3):c.1903C>T (p.Arg635Trp)

Gene: CNOT3 (CCR4-NOT transcription complex subunit 3; plus strand). Cytogenetic location: 19q13.42.
Variant type: single nucleotide variant.
Coding change: c.1903C>T on transcript NM_014516.4 (MANE Select); coding-DNA position 1903, C replaced by T.
Protein change: p.Arg635Trp; replaces arginine 635 with tryptophan.
Molecular consequence: missense variant.
Genome position (GRCh38, 1-based): chr19:54,152,625, C>T. VCF-style: chr19-54152625-C-T. GRCh37 (hg19) VCF-style: chr19-54656362-C-T.
Other names: short protein forms R635W.
Identifiers: ClinVar variation 4057014 (VCV004057014.2).
Genomic context (GRCh38, chr19:54,152,625, plus strand): 5'-CAGGCCATGGAAGAGGCCGCCTGGCACCACATGCCTCACCCCTCTGACTCTGAGCGTATT[C>T]GGTGAGGGGCCACAGGGAAGGGGGATGGTCTGGGACTTGAGTCTTACGGAGGAGGCAGTG-3'
Protein context (NP_055331.1, residues 625-645): MPHPSDSERI[Arg635Trp]QYLPRNPCPT

ClinVar aggregate classification (germline): Uncertain significance (1 of 4 stars; one submission).

gnomAD v4.1: 2 of 1,608,890 alleles (0.00012%); highest among the groups gnomAD compares: Non-Finnish European, 0.00017%; no homozygotes.

Submission:

GeneDx
Classification: Uncertain significance. Last evaluated: 2026-03-16. Review status: criteria provided, single submitter. Criteria: GeneDx Variant Classification Process June 2021. Collection method: clinical testing. Allele origin: germline.
Comment: Not observed at significant frequency in large population cohorts (gnomAD); In silico analysis supports that this missense variant has a deleterious effect on protein structure/function; Has not been previously published as pathogenic or benign to our knowledge